The following is an entry in ClinVar:

NM_001349253.2(SCN11A):c.3495+4C>G

Gene: SCN11A (sodium voltage-gated channel alpha subunit 11; minus strand). Cytogenetic location: 3p22.2.
Variant type: single nucleotide variant.
Coding change: c.3495+4C>G on transcript NM_001349253.2 (MANE Select); 4 bases into the intron after coding-DNA position 3495, C replaced by G.
Molecular consequence: intron variant.
Genome position (GRCh38, 1-based): chr3:38,872,189, G>C on the plus strand (C>G on the coding strand, the complement: SCN11A is on the minus strand). VCF-style: chr3-38872189-G-C. GRCh37 (hg19) VCF-style: chr3-38913680-G-C.
Other names: c.3495+4C>G (NM_014139.3).
Identifiers: ClinVar variation 3749719 (VCV003749719.2).

ClinVar aggregate classification (germline): Uncertain significance (1 of 4 stars; one submission).

Conditions:
Hereditary sensory and autonomic neuropathy type 7. Also called: Neuropathy, hereditary sensory and autonomic, type VII; HSAN VII. Identifiers: Orphanet 391397, MedGen C3809882, MONDO:0014244, OMIM 615548.
Familial episodic pain syndrome with predominantly lower limb involvement. Also called: Episodic pain syndrome, familial, 3. Identifiers: Orphanet 391384, Orphanet 391392, MedGen C3809899, MONDO:0014247, OMIM 615552.

Submission:

Labcorp Genetics (formerly Invitae), Labcorp
Classification: Uncertain significance for Familial episodic pain syndrome with predominantly lower limb involvement; Hereditary sensory and autonomic neuropathy type 7. Last evaluated: 2025-06-24. Review status: criteria provided, single submitter. Criteria: Invitae Variant Classification Sherloc (09022015). Collection method: clinical testing. Allele origin: germline.
Comment: This sequence change falls in intron 20 of the SCN11A gene. It does not directly change the encoded amino acid sequence of the SCN11A protein. It affects a nucleotide within the consensus splice site. This variant is not present in population databases (gnomAD no frequency). This variant has not been reported in the literature in individuals affected with SCN11A-related conditions. ClinVar contains an entry for this variant (Variation ID: 3749719). Variants that disrupt the consensus splice site are a relatively common cause of aberrant splicing (PMID: 17576681, 9536098). Algorithms developed to predict the effect of sequence changes on RNA splicing suggest that this variant is not likely to affect RNA splicing. In summary, the available evidence is currently insufficient to determine the role of this variant in disease. Therefore, it has been classified as a Variant of Uncertain Significance.

Literature cited by the submitters: PubMed 17576681; PubMed 9536098.